The following is an entry in ClinVar:

ClinVar aggregate classification (germline): Conflicting classifications of pathogenicity. Review status: criteria provided, conflicting classifications (1 of 4 stars). 9 submissions from 7 submitters: Uncertain significance (3); Likely benign (6). Last evaluated 2026-01-26.

Conditions:
MYO7A-related disorder. Also called: MYO7A-related disorders.
Usher syndrome type 1 (USH1). Also called: RETINITIS PIGMENTOSA AND CONGENITAL DEAFNESS. Identifiers: Orphanet 231169, Orphanet 886, MedGen C1568247, MONDO:0010168, OMIM 276900.
Autosomal recessive nonsyndromic hearing loss 2. Also called: DEAFNESS, AUTOSOMAL RECESSIVE 2; NEUROSENSORY NONSYNDROMIC RECESSIVE DEAFNESS 2. Identifiers: Orphanet 90636, MedGen C1838701, MONDO:0010807, OMIM 600060.
Autosomal dominant nonsyndromic hearing loss 11. Identifiers: Orphanet 90635, MedGen C1832475, MONDO:0011032, OMIM 601317.

Allele frequency attached by ClinVar (database versions not stated): ExAC 0.00006; gnomAD 0.00008 and 0.00009; gnomAD exomes 0.00008; TOPMed 0.00012.
gnomAD v4.1: 187 of 1,613,460 alleles (0.012%); highest among the groups gnomAD compares: Middle Eastern, 0.033%; no homozygotes.

Submissions (9):

Labcorp Genetics (formerly Invitae), Labcorp
Classification: Likely benign. Last evaluated: 2026-01-26. Review status: criteria provided, single submitter. Criteria: Invitae Variant Classification Sherloc (09022015). Collection method: clinical testing. Allele origin: germline.

PreventionGenetics, part of Exact Sciences
Classification: Likely benign for MYO7A-related condition. Last evaluated: 2025-09-23. Review status: criteria provided, single submitter. Criteria: ACMG Guidelines, 2015. Collection method: clinical testing. Allele origin: germline.
Comment: This variant is classified as likely benign based on ACMG/AMP sequence variant interpretation guidelines (Richards et al. 2015 PMID: 25741868, with internal and published modifications).

Blueprint Genetics
Classification: Likely benign. Last evaluated: 2024-02-06. Review status: criteria provided, single submitter. Criteria: ACMG Guidelines, 2015. Collection method: clinical testing. Allele origin: germline.

CeGaT Center for Human Genetics Tuebingen
Classification: Likely benign. Last evaluated: 2023-04-01. Review status: criteria provided, single submitter. Criteria: CeGaT Center For Human Genetics Tuebingen Variant Classification Criteria Version 2. Collection method: clinical testing. Allele origin: germline. Affected: yes. Observed: 1 variant allele.
Comment: MYO7A: BP4, BP7

GeneDx
Classification: Likely benign. Last evaluated: 2020-01-06. Review status: criteria provided, single submitter. Criteria: GeneDx Variant Classification Process June 2021. Collection method: clinical testing. Allele origin: germline. Affected: yes.
Comment: This variant is associated with the following publications: (PMID: 16470552)

Laboratory for Molecular Medicine, Mass General Brigham Personalized Medicine
Classification: Likely benign. Last evaluated: 2017-09-14. Review status: criteria provided, single submitter. Criteria: LMM Criteria. Collection method: clinical testing. Allele origin: germline. Observed: 1 variant allele.
Comment: p.Lys1576Lys in exon 35 of MYOA7: This variant is not expected to have clinical significance because it does not alter an amino acid residue and is not located within the splice consensus sequence. It has been identified in 15/126248 of Eur opean chromosomes by the Genome Aggregation Database (gnomAD; dbSNP rs758921557).

Illumina Laboratory Services, Illumina
Classification: Uncertain significance for Autosomal recessive nonsyndromic hearing loss 2. Last evaluated: 2017-04-27. Review status: criteria provided, single submitter. Criteria: ICSL Variant Classification Criteria 13 December 2019. Collection method: clinical testing. Allele origin: germline.

Illumina Laboratory Services, Illumina
Classification: Uncertain significance for Usher syndrome type 1. Last evaluated: 2017-04-27. Review status: criteria provided, single submitter. Criteria: ICSL Variant Classification Criteria 13 December 2019. Collection method: clinical testing. Allele origin: germline.
Comment: This variant was observed as part of a predisposition screen in an ostensibly healthy population. A literature search was performed for the gene, cDNA change, and amino acid change (where applicable). Publications were found based on this search. However, the evidence from the literature, in combination with allele frequency data from public databases where available, was not sufficient to rule this variant in or out of causing disease. Therefore, this variant is classified as a variant of unknown significance.

Illumina Laboratory Services, Illumina
Classification: Uncertain significance for Autosomal dominant nonsyndromic hearing loss 11. Last evaluated: 2017-04-27. Review status: criteria provided, single submitter. Criteria: ICSL Variant Classification Criteria 13 December 2019. Collection method: clinical testing. Allele origin: germline.

Literature cited by the submitters: PubMed 16470552 (cited by Illumina Laboratory Services, Illumina).

NM_000260.4(MYO7A):c.4728G>A (p.Lys1576=)

Gene: MYO7A (myosin VIIA; plus strand). Cytogenetic location: 11q13.5.
Variant type: single nucleotide variant.
Coding change: c.4728G>A on transcript NM_000260.4 (MANE Select); coding-DNA position 4728, G replaced by A.
Protein change: p.Lys1576=; no amino-acid change (lysine 1576 retained).
Molecular consequence: synonymous variant.
Genome position (GRCh38, 1-based): chr11:77,199,694, G>A. VCF-style: chr11-77199694-G-A. GRCh37 (hg19) VCF-style: chr11-76910739-G-A.
Other names: c.4614G>A, p.Lys1538= (NM_001127180.2); c.4581G>A, p.Lys1527= (NM_001369365.1).
Identifiers: ClinVar variation 504506 (VCV000504506.41), dbSNP rs758921557, ClinGen allele CA6198530.
Genomic context (GRCh38, chr11:77,199,694, plus strand): 5'-GTGTTGGTCCTGCAGGGGAGCGAAAACGACGGCCCCCAGCTTCACGCTGGCCACCATCAA[G>A]GGGGACGAATACACCTTCACCTCCAGCAATGCTGAGGACATTCGTGACCTGGTGGTCACC-3'
Protein context (NP_000251.3, residues 1566-1586): TAPSFTLATI[Lys1576=]GDEYTFTSSN